The following is an entry in ClinVar:

ClinVar aggregate classification (germline): Uncertain significance (1 of 4 stars; one submission).

Conditions:
Leigh syndrome (NULS). Also called: Leigh's necrotizing encephalopathy; Leigh's disease; Leigh Syndrome (mtDNA deletion); Leigh Disease; Subacute necrotizing encephalopathy; Necrotizing encephalopathy infantile subacute of Leigh. Identifiers: Orphanet 506, MedGen C2931891, MONDO:0009723, OMIM 256000.

Submission:

Wong Mito Lab, Molecular and Human Genetics, Baylor College of Medicine
Classification: Uncertain significance for Leigh syndrome. Last evaluated: 2019-10-17. Review status: criteria provided, single submitter. Criteria: Modified ACMG Guidelines (Unpublished). Collection method: clinical testing. Allele origin: germline.
Comment: The NC_012920.1:m.10749A>G (YP_003024034.1:p.Asn94Asp) variant in MTND4L gene is interpretated to be a Uncertain Significance variant based on the modified ACMG guidelines (unpublished). This variant meets the following evidence codes: PP7

NC_012920.1(MT-ND4L):m.10749A>G

Gene: MT-ND4L (mitochondrially encoded NADH dehydrogenase 4L; plus strand).
Variant type: single nucleotide variant.
Genome position: chrM-10749-A-G.
Identifiers: ClinVar variation 693313 (VCV000693313.1), dbSNP rs1603222963, ClinGen allele CA414806669.